The following is an entry in ClinVar:

NM_001378687.1(ATP2C1):c.1741+3A>G

Gene: ATP2C1 (ATPase secretory pathway Ca2+ transporting 1; plus strand). Cytogenetic location: 3q22.1.
Variant type: single nucleotide variant.
Coding change: c.1741+3A>G on transcript NM_001378687.1 (MANE Select); 3 bases into the intron after coding-DNA position 1741, A replaced by G.
Molecular consequence: intron variant.
Genome position (GRCh38, 1-based): chr3:130,979,422, A>G. VCF-style: chr3-130979422-A-G. GRCh37 (hg19) VCF-style: chr3-130698266-A-G.
Other names: c.1843+3A>G (NM_001378511.1, NM_001199180.2, NM_001199181.3); c.1726+3A>G (NM_001199182.2); c.1741+3A>G (NM_001001486.2, NM_001001487.2, NM_001001485.3 and 5 more transcripts); c.1693+3A>G (NM_001378514.1, NM_001199183.2, NM_001199184.3).
Identifiers: ClinVar variation 4694668 (VCV004694668.1).

ClinVar aggregate classification (germline): Pathogenic (1 of 4 stars; one submission).

Submission:

Labcorp Genetics (formerly Invitae), Labcorp
Classification: Pathogenic. Last evaluated: 2025-04-08. Review status: criteria provided, single submitter. Criteria: Invitae Variant Classification Sherloc (09022015). Collection method: clinical testing. Allele origin: germline.
Comment: This sequence change falls in intron 18 of the ATP2C1 gene. It does not directly change the encoded amino acid sequence of the ATP2C1 protein. RNA analysis indicates that this variant induces altered splicing and likely results in a shortened protein product. This variant is not present in population databases (gnomAD no frequency). This variant has been observed in individual(s) with Hailey-Hailey disease (PMID: 31983024). Variants that disrupt the consensus splice site are a relatively common cause of aberrant splicing (PMID: 17576681, 9536098). Studies have shown that this variant results in skipping of exon 18, but is expected to preserve the integrity of the reading-frame (PMID: 31983024). This variant disrupts a region of the ATP2C1 protein in which other variant(s) (p.Ile580Val) have been determined to be pathogenic (PMID: 11841554; internal data). This suggests that this is a clinically significant region of the protein, and that variants that disrupt it are likely to be disease-causing. For these reasons, this variant has been classified as Pathogenic.

Literature cited by the submitters: PubMed 31983024; PubMed 17576681; PubMed 9536098; PubMed 11841554.